The following is an entry in ClinVar:

ClinVar aggregate classification (germline): Uncertain significance (1 of 4 stars; one submission).

Submission:

Labcorp Genetics (formerly Invitae), Labcorp
Classification: Uncertain significance. Last evaluated: 2022-05-12. Review status: criteria provided, single submitter. Criteria: Invitae Variant Classification Sherloc (09022015). Collection method: clinical testing. Allele origin: germline.
Comment: In summary, the available evidence is currently insufficient to determine the role of this variant in disease. Therefore, it has been classified as a Variant of Uncertain Significance. Advanced modeling of protein sequence and biophysical properties (such as structural, functional, and spatial information, amino acid conservation, physicochemical variation, residue mobility, and thermodynamic stability) performed at Invitae indicates that this missense variant is not expected to disrupt LRP2 protein function. This variant has not been reported in the literature in individuals affected with LRP2-related conditions. This variant is not present in population databases (gnomAD no frequency). This sequence change replaces lysine, which is basic and polar, with glutamic acid, which is acidic and polar, at codon 3177 of the LRP2 protein (p.Lys3177Glu).

NM_004525.3(LRP2):c.9529A>G (p.Lys3177Glu)

Gene: LRP2 (LDL receptor related protein 2; minus strand). Cytogenetic location: 2q31.1.
Variant type: single nucleotide variant.
Coding change: c.9529A>G on transcript NM_004525.3 (MANE Select); coding-DNA position 9529, A replaced by G.
Protein change: p.Lys3177Glu; replaces lysine 3177 with glutamic acid.
Molecular consequence: missense variant.
Genome position (GRCh38, 1-based): chr2:169,185,819, T>C on the plus strand (A>G on the coding strand, the complement: LRP2 is on the minus strand). VCF-style: chr2-169185819-T-C. GRCh37 (hg19) VCF-style: chr2-170042329-T-C.
Other names: short protein forms K3177E.
Identifiers: ClinVar variation 2065865 (VCV002065865.4), dbSNP rs2545755412, ClinGen allele CA349154247.